The following is an entry in ClinVar:

NM_001127644.2(GABRA1):c.258del (p.Glu86fs)

Gene: GABRA1 (gamma-aminobutyric acid type A receptor subunit alpha1; plus strand). Cytogenetic location: 5q34.
Variant type: Deletion.
Coding change: c.258del on transcript NM_001127644.2 (MANE Select); coding-DNA position 258, one base deleted (A; older notation c.258delA).
Protein change: p.Glu86fs; shifts the reading frame from glutamic acid 86.
Molecular consequence: frameshift variant.
Genome position (GRCh38, 1-based): chr5:161,873,119, A deleted; the last of 2 consecutive A bases (chr5:161,873,118-161,873,119); deleting either gives the same sequence. VCF-style (leftmost placement, unchanged base first): chr5-161873117-GA-G. GRCh37 (hg19) VCF-style: chr5-161300123-GA-G.
Other names: c.258del, p.Glu86fs (NM_000806.5, NM_001127643.2, NM_001127645.2 and 1 more transcripts); short protein forms E86fs.
Identifiers: ClinVar variation 4536412 (VCV004536412.1).
Genomic context (GRCh38, chr5:161,873,117, plus strand): 5'-GATATTTGCATTGCAAAATACAGCACAGTGAACTCTTCGTCATTTTCCAAAATTACCTAG[GA>G]ATATACAATAGATGTATTTTTCCGTCAAAGCTGGAAGGATGAAAGGTTAAAATTTAAAGG-3'

ClinVar aggregate classification (germline): Uncertain significance (1 of 4 stars; one submission).

Submission:

GeneDx
Classification: Uncertain significance. Last evaluated: 2025-06-04. Review status: criteria provided, single submitter. Criteria: GeneDx Variant Classification Process June 2021. Collection method: clinical testing. Allele origin: germline. Affected: yes.
Comment: Not observed at significant frequency in large population cohorts (gnomAD); Frameshift variant predicted to result in protein truncation or nonsense mediated decay in a gene or region of a gene for which loss of function is not a well-established mechanism of disease; Has not been previously published as pathogenic or benign to our knowledge